The following is an entry in ClinVar:

ClinVar aggregate classification (germline): Pathogenic (1 of 4 stars; one submission).

Conditions:
Methylmalonic aciduria, cblB type (MACB). Also called: Methylmalonic acidemia cblB type; METHYLMALONIC ACIDURIA, VITAMIN B12-RESPONSIVE, DUE TO DEFECT IN SYNTHESIS OF ADENOSYLCOBALAMIN, cblB TYPE; Vitamin B12-responsive methylmalonic acidemia type cblB. Identifiers: Orphanet 28, Orphanet 79311, MedGen C1855102, MONDO:0009614, OMIM 251110.

Submission:

Labcorp Genetics (formerly Invitae), Labcorp
Classification: Pathogenic for Methylmalonic aciduria, cblB type. Last evaluated: 2022-05-15. Review status: criteria provided, single submitter. Criteria: Invitae Variant Classification Sherloc (09022015). Collection method: clinical testing. Allele origin: germline.
Comment: This sequence change creates a premature translational stop signal (p.Ser217Lysfs*2) in the MMAB gene. While this is not anticipated to result in nonsense mediated decay, it is expected to disrupt the last 34 amino acid(s) of the MMAB protein. This variant is not present in population databases (gnomAD no frequency). This variant has not been reported in the literature in individuals affected with MMAB-related conditions. This variant disrupts a region of the MMAB protein in which other variant(s) (p.Gln234*) have been determined to be pathogenic (PMID: 16410054, 21604717). This suggests that this is a clinically significant region of the protein, and that variants that disrupt it are likely to be disease-causing. For these reasons, this variant has been classified as Pathogenic.

Literature cited by the submitters: PubMed 16410054; PubMed 21604717.

NM_052845.4(MMAB):c.649dup (p.Ser217fs)

Gene: MMAB (metabolism of cobalamin associated B; minus strand). Cytogenetic location: 12q24.11.
Variant type: Duplication.
Coding change: c.649dup on transcript NM_052845.4 (MANE Select); coding-DNA position 649, one base duplicated (A; older notation c.649dupA).
Protein change: p.Ser217fs; shifts the reading frame from serine 217.
Molecular consequence: frameshift variant. On other transcripts: non-coding transcript variant (1).
Genome position (GRCh38, 1-based): chr12:109,557,132, T duplicated on the plus strand (A on the coding strand, the reverse complement: MMAB is on the minus strand). VCF-style (leftmost placement, unchanged base first): chr12-109557131-C-CT. GRCh37 (hg19) VCF-style: chr12-109994936-C-CT.
Other names: short protein forms S217fs.
Identifiers: ClinVar variation 1979899 (VCV001979899.4), dbSNP rs1884009515, ClinGen allele CA2062444198.